The following is an entry in ClinVar:

NM_000426.4(LAMA2):c.4739dup (p.Leu1581fs)

Gene: LAMA2 (laminin subunit alpha 2; plus strand). Cytogenetic location: 6q22.33.
Variant type: Duplication.
Coding change: c.4739dup on transcript NM_000426.4 (MANE Select); coding-DNA position 4739, one base duplicated (G; older notation c.4739dupG).
Protein change: p.Leu1581fs; shifts the reading frame from leucine 1581.
Molecular consequence: frameshift variant.
Genome position (GRCh38, 1-based): chr6:129,366,240, G duplicated; the last of 2 consecutive G bases (chr6:129,366,239-129,366,240); duplicating either gives the same sequence. VCF-style (leftmost placement, unchanged base first): chr6-129366238-T-TG. GRCh37 (hg19) VCF-style: chr6-129687383-T-TG.
Other names: c.4739dup, p.Leu1581fs (NM_001079823.2); c.4739dupG (NM_000426.4); short protein forms L1581fs.
Identifiers: ClinVar variation 802264 (VCV000802264.9), dbSNP rs1392196900, ClinGen allele CA570049057.

ClinVar aggregate classification (germline): Pathogenic. Review status: criteria provided, multiple submitters, no conflicts (2 of 4 stars). 5 submissions from 5 submitters: Pathogenic (5). Last evaluated 2024-11-08.

Conditions:
Muscular dystrophy, limb-girdle, autosomal recessive 23. Identifiers: Orphanet 565837, MedGen C4748327, MONDO:0029136, OMIM 618138.
LAMA2-related muscular dystrophy (LAMA2-RD). Also called: Laminin alpha 2-related dystrophy. Identifiers: MedGen C5679788, MONDO:0100228.
Merosin deficient congenital muscular dystrophy (MDC1A). Also called: Congenital Muscular Dystrophy Type 1A (MDC1A); Congenital merosin-deficient muscular dystrophy 1A. Identifiers: Orphanet 258, MedGen C1263858, MONDO:0011925, OMIM 607855.

Submissions (5):

Women's Health and Genetics/Laboratory Corporation of America, LabCorp
Classification: Pathogenic for LAMA2-related muscular dystrophy. Last evaluated: 2024-11-08. Review status: criteria provided, single submitter. Criteria: LabCorp Variant Classification Summary - May 2015. Collection method: clinical testing. Allele origin: germline.
Comment: Variant summary: LAMA2 c.4739dupG (p.Leu1581ProfsX5) results in a premature termination codon, predicted to cause a truncation of the encoded protein or absence of the protein due to nonsense mediated decay, which are commonly known mechanisms for disease. The variant allele was found at a frequency of 4e-06 in 251064 control chromosomes. c.4739dupG has been reported in the literature in homozygous and compound heterozygous individuals affected with Laminin Alpha 2-Related Dystrophy (e.g., Camelo_2023). These data indicate that the variant is likely to be associated with disease. To our knowledge, no experimental evidence demonstrating an impact on protein function has been reported. The following publication has been ascertained in the context of this evaluation (PMID: 37182895). ClinVar contains an entry for this variant (Variation ID: 802264). Based on the evidence outlined above, the variant was classified as pathogenic.

Laboratorio de Genetica e Diagnostico Molecular, Hospital Israelita Albert Einstein
Classification: Pathogenic for Muscular dystrophy, limb-girdle, autosomal recessive 23. Last evaluated: 2022-09-16. Review status: criteria provided, single submitter. Criteria: ACMG Guidelines, 2015. Collection method: clinical testing. Allele origin: germline. Affected: yes. Observed: 1 variant allele.
Comment: ACMG classification criteria: PVS1 very strong, PS4 supporting, PM2 moderated, PM3 strong

Labcorp Genetics (formerly Invitae), Labcorp
Classification: Pathogenic for LAMA2-related muscular dystrophy. Last evaluated: 2022-07-06. Review status: criteria provided, single submitter. Criteria: Invitae Variant Classification Sherloc (09022015). Collection method: clinical testing. Allele origin: germline.
Comment: This premature translational stop signal has been observed in individual(s) with congenital muscular dystrophy (PMID: 18700894, 30055037). This sequence change creates a premature translational stop signal (p.Leu1581Profs*5) in the LAMA2 gene. It is expected to result in an absent or disrupted protein product. Loss-of-function variants in LAMA2 are known to be pathogenic (PMID: 18700894, 32904964). This variant is present in population databases (no rsID available, gnomAD no frequency). ClinVar contains an entry for this variant (Variation ID: 802264). For these reasons, this variant has been classified as Pathogenic.

Baylor Genetics
Classification: Pathogenic for Merosin deficient congenital muscular dystrophy. Last evaluated: 2022-07-03. Review status: criteria provided, single submitter. Criteria: ACMG Guidelines, 2015. Collection method: clinical testing. Allele origin: unknown.

Mendelics
Classification: Pathogenic for Merosin deficient congenital muscular dystrophy. Last evaluated: 2019-05-28. Review status: criteria provided, single submitter. Criteria: Mendelics Assertion Criteria 2017. Collection method: clinical testing. Allele origin: unknown.

Literature cited by the submitters: PubMed 37182895 (cited by Women's Health and Genetics/Laboratory Corporation of America, LabCorp); PubMed 18700894 (cited by Labcorp Genetics (formerly Invitae), Labcorp); PubMed 30055037 (cited by Labcorp Genetics (formerly Invitae), Labcorp); PubMed 32904964 (cited by Labcorp Genetics (formerly Invitae), Labcorp).